The following is an entry in ClinVar:

NM_001457.4(FLNB):c.4861+265T>C

Gene: FLNB (filamin B; plus strand). Cytogenetic location: 3p14.3.
Variant type: single nucleotide variant.
Coding change: c.4861+265T>C on transcript NM_001457.4 (MANE Select); 265 bases into the intron after coding-DNA position 4861, T replaced by C.
Molecular consequence: intron variant.
Genome position (GRCh38, 1-based): chr3:58,136,433, T>C. VCF-style: chr3-58136433-T-C. GRCh37 (hg19) VCF-style: chr3-58122160-T-C.
Other names: c.4954+265T>C (NM_001164317.2); c.4861+265T>C (NM_001164318.2, NM_001164319.2).
Identifiers: ClinVar variation 683137 (VCV000683137.1), dbSNP rs2363684, ClinGen allele CA11501085.

ClinVar aggregate classification (germline): Benign (1 of 4 stars; one submission).

Allele frequency attached by ClinVar (database versions not stated): gnomAD 0.72246 and 0.72682; TOPMed 0.74393; 1000 Genomes Project 30x 0.82995; 1000 Genomes Project 0.83107.
gnomAD v4.1: 110,466 of 152,130 alleles (73%); highest among the groups gnomAD compares: East Asian, 100%; 41,337 homozygotes.

Submission:

GeneDx
Classification: Benign. Last evaluated: 2018-06-14. Review status: criteria provided, single submitter. Criteria: GeneDx Variant Classification (06012015). Collection method: clinical testing. Allele origin: germline. Affected: yes.
Comment: This variant is considered likely benign or benign based on one or more of the following criteria: it is a conservative change, it occurs at a poorly conserved position in the protein, it is predicted to be benign by multiple in silico algorithms, and/or has population frequency not consistent with disease.